The following is an entry in ClinVar:

ClinVar aggregate classification (germline): Uncertain significance (1 of 4 stars; one submission).

Allele frequency attached by ClinVar (database versions not stated): gnomAD exomes below 0.00001; ExAC 0.00001.
gnomAD v4.1: 2 of 1,588,890 alleles (0.00013%); highest among the groups gnomAD compares: Non-Finnish European, 0.00017%; no homozygotes.

Submission:

Labcorp Genetics (formerly Invitae), Labcorp
Classification: Uncertain significance. Last evaluated: 2021-08-07. Review status: criteria provided, single submitter. Criteria: Invitae Variant Classification Sherloc (09022015). Collection method: clinical testing. Allele origin: germline.
Comment: In summary, the available evidence is currently insufficient to determine the role of this variant in disease. Therefore, it has been classified as a Variant of Uncertain Significance. Algorithms developed to predict the effect of missense changes on protein structure and function are either unavailable or do not agree on the potential impact of this missense change (SIFT: "Deleterious"; PolyPhen-2: "Possibly Damaging"; Align-GVGD: "Class C0"). This variant has not been reported in the literature in individuals affected with VPS13C-related conditions. This variant is present in population databases (rs753479476, ExAC 0.002%). This sequence change replaces leucine with valine at codon 678 of the VPS13C protein (p.Leu678Val). The leucine residue is moderately conserved and there is a small physicochemical difference between leucine and valine.

NM_020821.3(VPS13C):c.2032C>G (p.Leu678Val)

Gene: VPS13C (vacuolar protein sorting 13 homolog C; minus strand). Cytogenetic location: 15q22.2.
Variant type: single nucleotide variant.
Coding change: c.2032C>G on transcript NM_020821.3 (MANE Select); coding-DNA position 2032, C replaced by G.
Protein change: p.Leu678Val; replaces leucine 678 with valine.
Molecular consequence: missense variant.
Genome position (GRCh38, 1-based): chr15:61,981,476, G>C on the plus strand (C>G on the coding strand, the complement: VPS13C is on the minus strand). VCF-style: chr15-61981476-G-C. GRCh37 (hg19) VCF-style: chr15-62273675-G-C.
Other names: c.2032C>G, p.Leu678Val (NM_001018088.3); c.1903C>G, p.Leu635Val (NM_017684.5, NM_018080.4); short protein forms L635V, L678V.
Identifiers: ClinVar variation 1406513 (VCV001406513.4), dbSNP rs753479476, ClinGen allele CA7596843.